The following is an entry in ClinVar:

ClinVar aggregate classification (germline): Pathogenic/Likely pathogenic. Review status: criteria provided, multiple submitters, no conflicts (2 of 4 stars). 9 submissions from 9 submitters: Pathogenic (8); Likely pathogenic (1). Last evaluated 2026-07-14.

Conditions:
SLC12A3-related disorder. Also called: SLC12A3-related condition.
Familial hypokalemia-hypomagnesemia (GTLMNS). Also called: HYPOMAGNESEMIA-HYPOKALEMIA, PRIMARY RENOTUBULAR, WITH HYPOCALCIURIA; POTASSIUM AND MAGNESIUM DEPLETION; gitelman syndrome. Identifiers: Orphanet 358, MedGen C0268450, MONDO:0009904, OMIM 263800.

Allele frequency attached by ClinVar (database versions not stated): gnomAD 0.00001; gnomAD exomes 0.00002; ExAC 0.00003; TOPMed 0.00003.

Submissions (9):

PreventionGenetics, part of Exact Sciences
Classification: Pathogenic for SLC12A3-related condition. Last evaluated: 2026-07-14. Review status: criteria provided, single submitter. Criteria: ACMG Guidelines, 2015. Collection method: clinical testing. Allele origin: germline.
Comment: The SLC12A3 c.2089_2095del7 variant is predicted to result in a frameshift and premature protein termination (p.Thr697Glyfs*2). This variant has been reported in multiple individuals with Gitelman syndrome, including seven homozygotes (see for example: Syrén et al. 2002. PubMed ID: 12112667; Glaudemans et al. 2012. PubMed ID: 22009145; Berry et al. 2013. PubMed ID: 23328711; Caló et al. 2016. PubMed ID: 27194993; Hureaux et al. 2019. PubMed ID: 31672324; Topak 2023. PubMed ID: 37078890). This variant is reported in 0.0033% of alleles in individuals of South Asian descent in gnomAD. Frameshift variants in SLC12A3 are expected to be pathogenic. This variant is interpreted as pathogenic.

Natera, Inc.
Classification: Pathogenic for Gitelman syndrome. Last evaluated: 2025-12-01. Review status: criteria provided, single submitter. Criteria: Natera Variant Classification Schema (03/2026). Collection method: clinical testing. Allele origin: germline.
Comment: The c.2089_2095delACCAAGT variant in SLC12A3 is a frameshift variant predicted to shift the reading frame beginning at codon 697 and leads to a stop codon 2 codons downstream. This variant is expected to result in nonsense mediated decay, truncation, or a dysfunctional protein product. This variant is rare in the general population with a frequency below the threshold expected for the associated phenotype(s). This variant has been observed in one or more individuals affected with the associated recessive disease, as either homozygous or compound heterozygous with a second variant (PMID: 12112667). Given the available evidence, this variant is classified as Pathogenic.

Blueprint Genetics
Classification: Pathogenic for SLC12A3-related disorders. Last evaluated: 2024-10-22. Review status: criteria provided, single submitter. Criteria: ACMG Guidelines, 2015. Collection method: clinical testing. Allele origin: germline. Affected: yes. Observed: 5 variant alleles.

Fulgent Genetics
Classification: Pathogenic for Familial hypokalemia-hypomagnesemia. Last evaluated: 2024-03-13. Review status: criteria provided, single submitter. Criteria: ACMG Guidelines, 2015. Collection method: clinical testing. Allele origin: germline.

Labcorp Genetics (formerly Invitae), Labcorp
Classification: Pathogenic. Last evaluated: 2023-12-19. Review status: criteria provided, single submitter. Criteria: Invitae Variant Classification Sherloc (09022015). Collection method: clinical testing. Allele origin: germline.
Comment: This sequence change creates a premature translational stop signal (p.Thr697Glyfs*2) in the SLC12A3 gene. It is expected to result in an absent or disrupted protein product. Loss-of-function variants in SLC12A3 are known to be pathogenic (PMID: 20848653, 22009145, 25841442). This variant is present in population databases (rs771701344, gnomAD 0.006%). This premature translational stop signal has been observed in individuals with Gitelman syndrome (PMID: 12112667, 23328711, 31672324). This variant is also known as 2114_2120delACCAAGT. ClinVar contains an entry for this variant (Variation ID: 448392). For these reasons, this variant has been classified as Pathogenic.

Revvity Omics, Revvity
Classification: Likely pathogenic for Familial hypokalemia-hypomagnesemia. Last evaluated: 2022-01-27. Review status: criteria provided, single submitter. Criteria: ACMG Guidelines, 2015. Collection method: clinical testing. Allele origin: germline.

MGZ Medical Genetics Center
Classification: Pathogenic for Familial hypokalemia-hypomagnesemia. Last evaluated: 2021-09-24. Review status: criteria provided, single submitter. Criteria: ACMG Guidelines, 2015. Collection method: clinical testing. Allele origin: germline. Affected: yes. Observed: 2 variant alleles.
Comment: ACMG criteria applied: PVS1, PS4_MOD, PM3, PM2_SUP

Genome-Nilou Lab
Classification: Pathogenic for Familial hypokalemia-hypomagnesemia. Last evaluated: 2021-07-15. Review status: criteria provided, single submitter. Criteria: ACMG Guidelines, 2015. Collection method: clinical testing. Allele origin: germline. Affected: no.

Athena Diagnostics
Classification: Pathogenic. Last evaluated: 2013-12-22. Review status: criteria provided, single submitter. Criteria: Athena Diagnostics Criteria. Collection method: clinical testing. Allele origin: germline.

Literature cited by the submitters: PubMed 12112667 (cited by 3 submitters); PubMed 20848653 (cited by Labcorp Genetics (formerly Invitae), Labcorp); PubMed 22009145 (cited by Labcorp Genetics (formerly Invitae), Labcorp); PubMed 25841442 (cited by Labcorp Genetics (formerly Invitae), Labcorp); PubMed 23328711 (cited by Labcorp Genetics (formerly Invitae), Labcorp); PubMed 31672324 (cited by Labcorp Genetics (formerly Invitae), Labcorp).

NM_001126108.2(SLC12A3):c.2089_2095del (p.Thr697fs)

Gene: SLC12A3 (solute carrier family 12 member 3; plus strand). Cytogenetic location: 16q13.
Variant type: Deletion.
Coding change: c.2089_2095del on transcript NM_001126108.2 (MANE Select); coding-DNA positions 2089 to 2095, 7 bases deleted (ACCAAGT; older notation c.2089_2095delACCAAGT).
Protein change: p.Thr697fs; shifts the reading frame from threonine 697.
Molecular consequence: frameshift variant.
Genome position (GRCh38, 1-based): chr16:56,887,004-56,887,010, ACCAAGT deleted. VCF-style (leftmost placement, unchanged base first): chr16-56887003-CACCAAGT-C. GRCh37 (hg19) VCF-style: chr16-56920915-CACCAAGT-C.
Other names: c.2089_2095del, p.Thr697fs (NM_000339.3); c.2086_2092del, p.Thr696fs (NM_001126107.2); c.2089_2095del7 (NM_000339.2); c.2089_2095delACCAAGT (NM_000339.2, NM_000339.3); short protein forms T697fs, T696fs.
Identifiers: ClinVar variation 448392 (VCV000448392.23), dbSNP rs771701344, ClinGen allele CA8069736.